The following is an entry in ClinVar:

NM_015896.4(ZMYND10):c.700+1G>A

Gene: ZMYND10 (zinc finger MYND-type containing 10; minus strand). Cytogenetic location: 3p21.31.
Variant type: single nucleotide variant.
Coding change: c.700+1G>A on transcript NM_015896.4 (MANE Select); the canonical splice donor site of the intron after coding-DNA position 700, G replaced by A.
Molecular consequence: splice donor variant. On other transcripts: intron variant (1).
Genome position (GRCh38, 1-based): chr3:50,342,917, C>T on the plus strand (G>A on the coding strand, the complement: ZMYND10 is on the minus strand). VCF-style: chr3-50342917-C-T. GRCh37 (hg19) VCF-style: chr3-50380348-C-T.
Other names: c.599+201G>A (NM_001308379.2).
Identifiers: ClinVar variation 578119 (VCV000578119.6), dbSNP rs1297857806, ClinGen allele CA352941549.

ClinVar aggregate classification (germline): Likely pathogenic (1 of 4 stars; one submission).

Conditions:
Primary ciliary dyskinesia. Also called: Ciliary dyskinesia. Identifiers: Orphanet 244, MedGen C0008780, MONDO:0016575, HP:0012265.

Allele frequency attached by ClinVar (database versions not stated): gnomAD exomes below 0.00001.
gnomAD v4.1: 2 of 1,613,708 alleles (0.00012%); highest among the groups gnomAD compares: Admixed American, 0.0017%; no homozygotes.

Submission:

Labcorp Genetics (formerly Invitae), Labcorp
Classification: Likely pathogenic for Primary ciliary dyskinesia. Last evaluated: 2022-05-12. Review status: criteria provided, single submitter. Criteria: Invitae Variant Classification Sherloc (09022015). Collection method: clinical testing. Allele origin: germline.
Comment: In summary, the currently available evidence indicates that the variant is pathogenic, but additional data are needed to prove that conclusively. Therefore, this variant has been classified as Likely Pathogenic. Algorithms developed to predict the effect of sequence changes on RNA splicing suggest that this variant may disrupt the consensus splice site. ClinVar contains an entry for this variant (Variation ID: 578119). This variant has not been reported in the literature in individuals affected with ZMYND10-related conditions. This variant is present in population databases (no rsID available, gnomAD 0.003%). This sequence change affects a donor splice site in intron 7 of the ZMYND10 gene. It is expected to disrupt RNA splicing. Variants that disrupt the donor or acceptor splice site typically lead to a loss of protein function (PMID: 16199547), and loss-of-function variants in ZMYND10 are known to be pathogenic (PMID: 23891469, 23891471).

Literature cited by the submitters: PubMed 16199547; PubMed 23891469; PubMed 23891471.